The following is an entry in ClinVar:

ClinVar aggregate classification (germline): Likely benign (1 of 4 stars; one submission).

Conditions:
Exercise-induced hyperinsulinism (HHF7). Identifiers: Orphanet 165991, MedGen C1864902, MONDO:0012396, OMIM 610021.

Allele frequency attached by ClinVar (database versions not stated): 1000 Genomes Project 30x 0.00250; gnomAD 0.00036 and 0.00027; TOPMed 0.00042; 1000 Genomes Project 0.00240.

Submission:

Illumina Laboratory Services, Illumina
Classification: Likely benign for Exercise-induced hyperinsulinism. Last evaluated: 2018-01-12. Review status: criteria provided, single submitter. Criteria: ICSL Variant Classification Criteria 13 December 2019. Collection method: clinical testing. Allele origin: germline.
Comment: This variant was observed in the ICSL laboratory as part of a predisposition screen in an ostensibly healthy population. It had not been previously curated by ICSL or reported in the Human Gene Mutation Database (HGMD: prior to June 1st, 2018), and was therefore a candidate for classification through an automated scoring system. Utilizing variant allele frequency, disease prevalence and penetrance estimates, and inheritance mode, an automated score was calculated to assess if this variant is too frequent to cause the disease. Based on the score and internal cut-off values, a variant classified as likely benign is not then subjected to further curation. The score for this variant resulted in a classification of likely benign for this disease.

NM_003051.4(SLC16A1):c.*1624A>G

Gene: SLC16A1 (solute carrier family 16 member 1; minus strand). Cytogenetic location: 1p13.2.
Variant type: single nucleotide variant.
Coding change: c.*1624A>G on transcript NM_003051.4 (MANE Select); 1624 bases downstream of the stop codon, A replaced by G.
Molecular consequence: 3 prime UTR variant.
Genome position (GRCh38, 1-based): chr1:112,912,267, T>C on the plus strand (A>G on the coding strand, the complement: SLC16A1 is on the minus strand). VCF-style: chr1-112912267-T-C. GRCh37 (hg19) VCF-style: chr1-113454889-T-C.
Other names: c.*1624A>G (NM_001166496.2).
Identifiers: ClinVar variation 291830 (VCV000291830.5), dbSNP rs140456426, ClinGen allele CA10607481.
Genomic context (GRCh38, chr1:112,912,267, plus strand): 5'-GAAAATAAATCATATACACAAATATCAAGGTTCAAAAGCTGGAGGATTTAATTCAATCAA[T>C]TTAGCAAGGCCCAAAATGAAACCTGGTAATGAAAATGAAGACACAGCAATATTTTCCTCA-3'